The following is an entry in ClinVar:

ClinVar aggregate classification (germline): Uncertain significance (1 of 4 stars; one submission).

Conditions:
Peroxisome biogenesis disorder 3A (Zellweger). Also called: PEROXISOMAL BIOGENESIS DISORDER 3A (ZELLWEGER); Peroxisome biogenesis disorder 3A. Identifiers: Orphanet 912, MedGen C3553929, MONDO:0013927, OMIM 614859.

Allele frequency attached by ClinVar (database versions not stated): TOPMed below 0.00001; gnomAD 0.00001.
gnomAD v4.1: 3 of 1,614,012 alleles (0.00019%); highest among the groups gnomAD compares: Non-Finnish European, 0.00025%; no homozygotes.

Submission:

Labcorp Genetics (formerly Invitae), Labcorp
Classification: Uncertain significance for Peroxisome biogenesis disorder 3A (Zellweger). Last evaluated: 2022-05-21. Review status: criteria provided, single submitter. Criteria: Invitae Variant Classification Sherloc (09022015). Collection method: clinical testing. Allele origin: germline.
Comment: In summary, the available evidence is currently insufficient to determine the role of this variant in disease. Therefore, it has been classified as a Variant of Uncertain Significance. Algorithms developed to predict the effect of missense changes on protein structure and function are either unavailable or do not agree on the potential impact of this missense change (SIFT: "Tolerated"; PolyPhen-2: "Probably Damaging"; Align-GVGD: "Class C0"). This variant has not been reported in the literature in individuals affected with PEX12-related conditions. This variant is not present in population databases (gnomAD no frequency). This sequence change replaces serine, which is neutral and polar, with phenylalanine, which is neutral and non-polar, at codon 356 of the PEX12 protein (p.Ser356Phe).

NM_000286.3(PEX12):c.1067C>T (p.Ser356Phe)

Gene: PEX12 (peroxisomal biogenesis factor 12; minus strand). Cytogenetic location: 17q12.
Variant type: single nucleotide variant.
Coding change: c.1067C>T on transcript NM_000286.3 (MANE Select); coding-DNA position 1067, C replaced by T.
Protein change: p.Ser356Phe; replaces serine 356 with phenylalanine.
Molecular consequence: missense variant.
Genome position (GRCh38, 1-based): chr17:35,575,795, G>A on the plus strand (C>T on the coding strand, the complement: PEX12 is on the minus strand). VCF-style: chr17-35575795-G-A. GRCh37 (hg19) VCF-style: chr17-33902814-G-A.
Other names: short protein forms S356F.
Identifiers: ClinVar variation 1973176 (VCV001973176.4), dbSNP rs1438983691, ClinGen allele CA399136774.